The following is an entry in ClinVar:

ClinVar aggregate classification (germline): Uncertain significance. Review status: criteria provided, multiple submitters, no conflicts (2 of 4 stars). 2 submissions from 2 submitters: Uncertain significance (2). Last evaluated 2024-09-09.

Conditions:
Malignant hyperthermia, susceptibility to, 1 (MHS1). Also called: Anesthesia related hyperthermia; Malignant hyperpyrexia; Fulminating hyperpyrexia; Pharmacogenic myopathy; RYR1-Related Malignant Hyperthermia Susceptibility; Malignant hyperthermia suceptibility 1. Identifiers: Orphanet 423, MedGen C2930980, MONDO:0007783, OMIM 145600.

Allele frequency attached by ClinVar (database versions not stated): TOPMed 0.00001; ExAC 0.00002.
gnomAD v4.1: 12 of 1,613,906 alleles (0.00074%); highest among the groups gnomAD compares: East Asian, 0.0045%; no homozygotes.

Submissions (2):

GeneDx
Classification: Uncertain significance. Last evaluated: 2024-09-09. Review status: criteria provided, single submitter. Criteria: GeneDx Variant Classification Process June 2021. Collection method: clinical testing. Allele origin: germline. Affected: yes.
Comment: Reported in an adult individual with myalgia and cramps (PMID: 37510298); In silico analysis supports that this missense variant has a deleterious effect on protein structure/function; This variant is associated with the following publications: (PMID: 37510298)

All of Us Research Program, National Institutes of Health
Classification: Uncertain significance for Malignant hyperthermia, susceptibility to, 1. Last evaluated: 2023-08-15. Review status: criteria provided, single submitter. Criteria: ACMG Guidelines, 2015. Collection method: clinical testing. Allele origin: germline. Inheritance: Autosomal dominant inheritance. Observed: 1 variant allele, 1 heterozygote.
Comment: This missense variant replaces aspartic acid with asparagine at codon 3529 of the RYR1 protein. Computational prediction suggests that this variant may have deleterious impact on protein structure and function (internally defined REVEL score threshold >= 0.7, PMID: 27666373). To our knowledge, functional studies have not been reported for this variant. This variant has not been reported in individuals affected with RYR1-related disorders in the literature. This variant has been identified in 4/251168 chromosomes in the general population by the Genome Aggregation Database (gnomAD). The available evidence is insufficient to determine the role of this variant in disease conclusively. Therefore, this variant is classified as a Variant of Uncertain Significance.

This study involves interpretation of variants in research participants for the purpose of population health screening. Participant phenotype was not available at the time of variant classification. Additional details can be found in publication PMID: 35346344, PMCID: PMC8962531

NM_000540.3(RYR1):c.10585G>A (p.Asp3529Asn)

Gene: RYR1 (ryanodine receptor 1; plus strand). Cytogenetic location: 19q13.2.
Variant type: single nucleotide variant.
Coding change: c.10585G>A on transcript NM_000540.3 (MANE Select); coding-DNA position 10585, G replaced by A.
Protein change: p.Asp3529Asn; replaces aspartic acid 3529 with asparagine.
Molecular consequence: missense variant.
Genome position (GRCh38, 1-based): chr19:38,525,461, G>A. VCF-style: chr19-38525461-G-A. GRCh37 (hg19) VCF-style: chr19-39016101-G-A.
Other names: c.10570G>A, p.Asp3524Asn (NM_001042723.2); short protein forms D3524N, D3529N.
Identifiers: ClinVar variation 3072790 (VCV003072790.2), dbSNP rs749796187, ClinGen allele CA054049.